The following is an entry in ClinVar:

ClinVar aggregate classification (germline): Likely pathogenic (0 of 4 stars; one submission).

Conditions:
SCN8A-related disorder.

Submission:

PreventionGenetics, part of Exact Sciences
Classification: Likely pathogenic for SCN8A-related condition. Last evaluated: 2024-09-19. Review status: no assertion criteria provided. Collection method: clinical testing. Allele origin: germline.
Comment: The SCN8A c.1225G>C variant is predicted to result in the amino acid substitution p.Val409Leu. To our knowledge, this variant has not been reported in the literature or in a large population database, indicating this variant is rare. Alternate nucleotide changes affecting the same amino acid (p.Val409Met, p.Val409Ala) have been reported in individuals affected with SCN8A-related disorders (Schlüter et al. 2022. PubMed ID: 35012964; Johannesen et al. 2022. PubMed ID: 34431999; Shu et al. 2021. PubMed ID: 33851778). The c.1225G>C variant is interpreted as likely pathogenic.

NM_001330260.2(SCN8A):c.1225G>C (p.Val409Leu)

Gene: SCN8A (sodium voltage-gated channel alpha subunit 8; plus strand). Cytogenetic location: 12q13.13.
Variant type: single nucleotide variant.
Coding change: c.1225G>C on transcript NM_001330260.2 (MANE Select); coding-DNA position 1225, G replaced by C.
Protein change: p.Val409Leu; replaces valine 409 with leucine.
Molecular consequence: missense variant.
Genome position (GRCh38, 1-based): chr12:51,705,507, G>C. VCF-style: chr12-51705507-G-C. GRCh37 (hg19) VCF-style: chr12-52099291-G-C.
Other names: c.1225G>C, p.Val409Leu (NM_001177984.3, NM_001369788.1, NM_014191.4); short protein forms V409L.
Identifiers: ClinVar variation 3352028 (VCV003352028.1).